The following is an entry in ClinVar:

NM_031935.3(HMCN1):c.11974C>T (p.Pro3992Ser)

Gene: HMCN1 (hemicentin 1; plus strand). Cytogenetic location: 1q31.1.
Variant type: single nucleotide variant.
Coding change: c.11974C>T on transcript NM_031935.3 (MANE Select); coding-DNA position 11974, C replaced by T.
Protein change: p.Pro3992Ser; replaces proline 3992 with serine.
Molecular consequence: missense variant.
Genome position (GRCh38, 1-based): chr1:186,119,762, C>T. VCF-style: chr1-186119762-C-T. GRCh37 (hg19) VCF-style: chr1-186088894-C-T.
Other names: short protein forms P3992S.
Identifiers: ClinVar variation 2707168 (VCV002707168.3), dbSNP rs1661309880, ClinGen allele CA343947744.

ClinVar aggregate classification (germline): Uncertain significance (1 of 4 stars; one submission).

gnomAD v4.1: 2 of 1,613,918 alleles (0.00012%); highest among the groups gnomAD compares: Non-Finnish European, 0.00017%; no homozygotes.

Submission:

Labcorp Genetics (formerly Invitae), Labcorp
Classification: Uncertain significance. Last evaluated: 2024-01-03. Review status: criteria provided, single submitter. Criteria: Invitae Variant Classification Sherloc (09022015). Collection method: clinical testing. Allele origin: germline.
Comment: This sequence change replaces proline, which is neutral and non-polar, with serine, which is neutral and polar, at codon 3992 of the HMCN1 protein (p.Pro3992Ser). This variant is not present in population databases (gnomAD no frequency). This variant has not been reported in the literature in individuals affected with HMCN1-related conditions. Algorithms developed to predict the effect of missense changes on protein structure and function output the following: SIFT: "Not Available"; PolyPhen-2: "Probably Damaging"; Align-GVGD: "Not Available". The serine amino acid residue is found in multiple mammalian species, which suggests that this missense change does not adversely affect protein function. In summary, the available evidence is currently insufficient to determine the role of this variant in disease. Therefore, it has been classified as a Variant of Uncertain Significance.